The following is an entry in ClinVar:

ClinVar aggregate classification (germline): Uncertain significance (1 of 4 stars; one submission).

Conditions:
Aicardi-Goutieres syndrome 5. Identifiers: Orphanet 51, MedGen C2749659, MONDO:0013059, OMIM 612952.

Allele frequency attached by ClinVar (database versions not stated): gnomAD 0.00001; ExAC 0.00002; TOPMed 0.00003.

Submission:

Labcorp Genetics (formerly Invitae), Labcorp
Classification: Uncertain significance for Aicardi-Goutieres syndrome 5. Last evaluated: 2022-10-03. Review status: criteria provided, single submitter. Criteria: Invitae Variant Classification Sherloc (09022015). Collection method: clinical testing. Allele origin: germline.
Comment: This sequence change replaces alanine, which is neutral and non-polar, with serine, which is neutral and polar, at codon 338 of the SAMHD1 protein (p.Ala338Ser). This variant is present in population databases (rs751611358, gnomAD 0.01%). This variant has not been reported in the literature in individuals affected with SAMHD1-related conditions. Advanced modeling of protein sequence and biophysical properties (such as structural, functional, and spatial information, amino acid conservation, physicochemical variation, residue mobility, and thermodynamic stability) performed at Invitae indicates that this missense variant is not expected to disrupt SAMHD1 protein function. In summary, the available evidence is currently insufficient to determine the role of this variant in disease. Therefore, it has been classified as a Variant of Uncertain Significance.

NM_015474.4(SAMHD1):c.1012G>T (p.Ala338Ser)

Gene: SAMHD1 (SAM and HD domain containing deoxynucleoside triphosphate triphosphohydrolase 1; minus strand). Cytogenetic location: 20q11.23.
Variant type: single nucleotide variant.
Coding change: c.1012G>T on transcript NM_015474.4 (MANE Select); coding-DNA position 1012, G replaced by T.
Protein change: p.Ala338Ser; replaces alanine 338 with serine.
Molecular consequence: missense variant.
Genome position (GRCh38, 1-based): chr20:36,916,772, C>A on the plus strand (G>T on the coding strand, the complement: SAMHD1 is on the minus strand). VCF-style: chr20-36916772-C-A. GRCh37 (hg19) VCF-style: chr20-35545175-C-A.
Other names: c.1012G>T, p.Ala338Ser (NM_001363729.2, NM_001363733.2); short protein forms A338S.
Identifiers: ClinVar variation 2065403 (VCV002065403.1), dbSNP rs751611358, ClinGen allele CA9844609.